The following is an entry in ClinVar:

ClinVar aggregate classification (germline): Uncertain significance (1 of 4 stars; one submission).

Conditions:
Long QT syndrome (LQTS). Identifiers: MedGen C0023976, MeSH D008133, MONDO:0002442. Disease mechanism: loss of function. Inheritance: Various modes of inheritance.

Allele frequency attached by ClinVar (database versions not stated): gnomAD exomes below 0.00001.
gnomAD v4.1: 4 of 1,613,180 alleles (0.00025%); highest among the groups gnomAD compares: Non-Finnish European, 0.00034%; no homozygotes.

Submission:

Labcorp Genetics (formerly Invitae), Labcorp
Classification: Uncertain significance for Long QT syndrome. Last evaluated: 2026-01-18. Review status: criteria provided, single submitter. Criteria: Invitae Variant Classification Sherloc (09022015). Collection method: clinical testing. Allele origin: germline.
Comment: This sequence change replaces proline, which is neutral and non-polar, with leucine, which is neutral and non-polar, at codon 89 of the CACNA1C protein (p.Pro89Leu). This variant is not present in population databases (gnomAD no frequency). This variant has not been reported in the literature in individuals affected with CACNA1C-related conditions. ClinVar contains an entry for this variant (Variation ID: 2910923). Invitae Evidence Modeling of protein sequence and biophysical properties (such as structural, functional, and spatial information, amino acid conservation, physicochemical variation, residue mobility, and thermodynamic stability) indicates that this missense variant is not expected to disrupt CACNA1C protein function with a negative predictive value of 95%. In summary, the available evidence is currently insufficient to determine the role of this variant in disease. Therefore, it has been classified as a Variant of Uncertain Significance.

NM_000719.7(CACNA1C):c.266C>T (p.Pro89Leu)

Gene: CACNA1C (calcium voltage-gated channel subunit alpha1 C; plus strand). Cytogenetic location: 12p13.33.
Variant type: single nucleotide variant.
Coding change: c.266C>T on transcript NM_000719.7 (MANE Select); coding-DNA position 266, C replaced by T.
Protein change: p.Pro89Leu; replaces proline 89 with leucine.
Molecular consequence: missense variant.
Genome position (GRCh38, 1-based): chr12:2,115,440, C>T. VCF-style: chr12-2115440-C-T. GRCh37 (hg19) VCF-style: chr12-2224606-C-T.
Other names: c.266C>T, p.Pro89Leu (NM_001129827.2, NM_001129829.2, NM_001129830.3 and 19 more transcripts); short protein forms P89L.
Identifiers: ClinVar variation 2910923 (VCV002910923.3), dbSNP rs1565787426, ClinGen allele CA383653278.